The following is an entry in ClinVar:

NM_000256.3(MYBPC3):c.884T>C (p.Phe295Ser)

Gene: MYBPC3 (myosin binding protein C3; minus strand). Cytogenetic location: 11p11.2.
Variant type: single nucleotide variant.
Coding change: c.884T>C on transcript NM_000256.3 (MANE Select); coding-DNA position 884, T replaced by C.
Protein change: p.Phe295Ser; replaces phenylalanine 295 with serine.
Molecular consequence: missense variant.
Genome position (GRCh38, 1-based): chr11:47,347,447, A>G on the plus strand (T>C on the coding strand, the complement: MYBPC3 is on the minus strand). VCF-style: chr11-47347447-A-G. GRCh37 (hg19) VCF-style: chr11-47368998-A-G.
Other names: c.884T>C, p.Phe295Ser (LRG_386t1); short protein forms F295S.
Identifiers: ClinVar variation 235024 (VCV000235024.14), dbSNP rs876661369, ClinGen allele CA10581161.
Genomic context (GRCh38, chr11:47,347,447, plus strand): 5'-CCTCACCAGCTGCCCCAGGAACTGCCACCCAGGACTCACCTCTTTTTCAGCAGTGAGCTG[A>G]AGTCCAGAATCCCAGTGTCCTCATGGCTATCACTATGGAGAGGGACCCCCAGTGAGGCTG-3'
Protein context (NP_000247.2, residues 285-305): DSHEDTGILD[Phe295Ser]SSLLKKRDSF

ClinVar aggregate classification (germline): Uncertain significance. Review status: criteria provided, multiple submitters, no conflicts (2 of 4 stars). 3 submissions from 3 submitters: Uncertain significance (3). Last evaluated 2025-05-01.

Conditions:
Cardiovascular phenotype. Identifiers: MedGen CN230736.

Submissions (3):

CeGaT Center for Human Genetics Tuebingen
Classification: Uncertain significance. Last evaluated: 2025-05-01. Review status: criteria provided, single submitter. Criteria: CeGaT Center For Human Genetics Tuebingen Variant Classification Criteria Version 2. Collection method: clinical testing. Allele origin: germline. Affected: yes. Observed: 1 variant allele.
Comment: MYBPC3: PM2

Ambry Genetics
Classification: Uncertain significance for Cardiovascular phenotype. Last evaluated: 2013-06-10. Review status: criteria provided, single submitter. Criteria: Ambry Autosomal Dominant and X-Linked criteria (10/2015). Collection method: clinical testing. Allele origin: germline. Observed: 1 variant allele.
Comment: There is insufficient or conflicting evidence for classification of this alteration.

Stanford Center for Inherited Cardiovascular Disease, Stanford University
Classification: Uncertain significance. Last evaluated: 2011-08-05. Review status: criteria provided, single submitter. Criteria: ACMG Guidelines, 2015. Collection method: provider interpretation. Allele origin: germline.